The following is an entry in ClinVar:

NM_003718.5(CDK13):c.1014C>T (p.Arg338=)

Gene: CDK13 (cyclin dependent kinase 13; plus strand). Cytogenetic location: 7p14.1.
Variant type: single nucleotide variant.
Coding change: c.1014C>T on transcript NM_003718.5 (MANE Select); coding-DNA position 1014, C replaced by T.
Protein change: p.Arg338=; no amino-acid change (arginine 338 retained).
Molecular consequence: synonymous variant.
Genome position (GRCh38, 1-based): chr7:39,951,655, C>T. VCF-style: chr7-39951655-C-T. GRCh37 (hg19) VCF-style: chr7-39991254-C-T.
Other names: c.1014C>T, p.Arg338= (NM_031267.4).
Identifiers: ClinVar variation 1978738 (VCV001978738.11), dbSNP rs774951264, ClinGen allele CA157707231.

ClinVar aggregate classification (germline): Likely benign. Review status: criteria provided, multiple submitters, no conflicts (2 of 4 stars). 2 submissions from 2 submitters: Likely benign (2). Last evaluated 2025-09-01.

Allele frequency attached by ClinVar (database versions not stated): gnomAD 0.00001; TOPMed 0.00001.
gnomAD v4.1: 5 of 1,478,106 alleles (0.00034%); highest among the groups gnomAD compares: Non-Finnish European, 0.00045%; no homozygotes.

Submissions (2):

CeGaT Center for Human Genetics Tuebingen
Classification: Likely benign. Last evaluated: 2025-09-01. Review status: criteria provided, single submitter. Criteria: CeGaT Center For Human Genetics Tuebingen Variant Classification Criteria Version 2. Collection method: clinical testing. Allele origin: germline. Affected: yes. Observed: 1 variant allele.
Comment: CDK13: BP4

Labcorp Genetics (formerly Invitae), Labcorp
Classification: Likely benign. Last evaluated: 2025-08-18. Review status: criteria provided, single submitter. Criteria: Invitae Variant Classification Sherloc (09022015). Collection method: clinical testing. Allele origin: germline.